The following is an entry in ClinVar:

ClinVar aggregate classification (germline): Pathogenic/Likely pathogenic. Review status: criteria provided, multiple submitters, no conflicts (2 of 4 stars). 2 submissions from 2 submitters: Pathogenic (1); Likely pathogenic (1). Last evaluated 2025-07-17.

Submissions (2):

Mayo Clinic Laboratories, Mayo Clinic
Classification: Likely pathogenic. Last evaluated: 2025-07-17. Review status: criteria provided, single submitter. Criteria: ACMG Guidelines, 2015. Collection method: clinical testing. Allele origin: germline. Observed: 1 variant allele.
Comment: PM2_supporting, PVS1

Labcorp Genetics (formerly Invitae), Labcorp
Classification: Pathogenic. Last evaluated: 2023-12-03. Review status: criteria provided, single submitter. Criteria: Invitae Variant Classification Sherloc (09022015). Collection method: clinical testing. Allele origin: germline.
Comment: This sequence change creates a premature translational stop signal (p.Leu23Profs*25) in the NDUFS6 gene. It is expected to result in an absent or disrupted protein product. Loss-of-function variants in NDUFS6 are known to be pathogenic (PMID: 15372108). This variant is not present in population databases (gnomAD no frequency). This variant has not been reported in the literature in individuals affected with NDUFS6-related conditions. For these reasons, this variant has been classified as Pathogenic.

Literature cited by the submitters: PubMed 15372108 (cited by Labcorp Genetics (formerly Invitae), Labcorp).

NM_004553.6(NDUFS6):c.67dup (p.Leu23fs)

Gene: NDUFS6 (NADH:ubiquinone oxidoreductase subunit S6; plus strand). Cytogenetic location: 5p15.33.
Variant type: Duplication.
Coding change: c.67dup on transcript NM_004553.6 (MANE Select); coding-DNA position 67, one base duplicated (C; older notation c.67dupC).
Protein change: p.Leu23fs; shifts the reading frame from leucine 23.
Molecular consequence: frameshift variant.
Genome position (GRCh38, 1-based): chr5:1,801,484, C duplicated; the last of 4 consecutive C bases (chr5:1,801,481-1,801,484); duplicating any one gives the same sequence. VCF-style (leftmost placement, unchanged base first): chr5-1801480-G-GC. GRCh37 (hg19) VCF-style: chr5-1801594-G-GC.
Other names: p.Leu23Profs*25; c.67dup (NM_004553.5); short protein forms L23fs.
Identifiers: ClinVar variation 2973646 (VCV002973646.4), dbSNP rs1561101881, ClinGen allele CA2673112520.